The following is an entry in ClinVar:

ClinVar aggregate classification (germline): Uncertain significance. Review status: criteria provided, multiple submitters, no conflicts (2 of 4 stars). 2 submissions from 2 submitters: Uncertain significance (2). Last evaluated 2024-10-22.

Conditions:
Inborn genetic diseases. Identifiers: MedGen C0950123, MeSH D030342.

gnomAD v4.1: 3 of 1,614,224 alleles (0.00019%); highest among the groups gnomAD compares: East Asian, 0.0022%; no homozygotes.

Submissions (2):

Labcorp Genetics (formerly Invitae), Labcorp
Classification: Uncertain significance. Last evaluated: 2024-10-22. Review status: criteria provided, single submitter. Criteria: Invitae Variant Classification Sherloc (09022015). Collection method: clinical testing. Allele origin: germline.
Comment: This sequence change replaces proline, which is neutral and non-polar, with leucine, which is neutral and non-polar, at codon 206 of the EPAS1 protein (p.Pro206Leu). This variant is not present in population databases (gnomAD no frequency). This variant has not been reported in the literature in individuals affected with EPAS1-related conditions. ClinVar contains an entry for this variant (Variation ID: 1752052). An algorithm developed to predict the effect of missense changes on protein structure and function (PolyPhen-2) suggests that this variant is likely to be tolerated. In summary, the available evidence is currently insufficient to determine the role of this variant in disease. Therefore, it has been classified as a Variant of Uncertain Significance.

Ambry Genetics
Classification: Uncertain significance for Inborn genetic diseases. Last evaluated: 2023-12-14. Review status: criteria provided, single submitter. Criteria: Ambry Variant Classification Scheme 2023. Collection method: clinical testing. Allele origin: germline.
Comment: The p.P206L variant (also known as c.617C>T), located in coding exon 6 of the EPAS1 gene, results from a C to T substitution at nucleotide position 617. The proline at codon 206 is replaced by leucine, an amino acid with similar properties. This amino acid position is conserved. In addition, this alteration is predicted to be tolerated by in silico analysis. Since supporting evidence is limited at this time, the clinical significance of this alteration remains unclear.

NM_001430.5(EPAS1):c.617C>T (p.Pro206Leu)

Genes: EPAS1 (endothelial PAS domain protein 1; plus strand), LOC126806210 (BRD4-independent group 4 enhancer GRCh37_chr2:46587586-46588785; plus strand). Cytogenetic location: 2p21.
Variant type: single nucleotide variant.
Coding change: c.617C>T on transcript NM_001430.5 (MANE Select); coding-DNA position 617, C replaced by T.
Protein change: p.Pro206Leu; replaces proline 206 with leucine.
Molecular consequence: missense variant.
Genome position (GRCh38, 1-based): chr2:46,360,928, C>T. VCF-style: chr2-46360928-C-T. GRCh37 (hg19) VCF-style: chr2-46588067-C-T.
Other names: short protein forms P206L.
Identifiers: ClinVar variation 1752052 (VCV001752052.4), dbSNP rs776254639, ClinGen allele CA346699882.
Genomic context (GRCh38, chr2:46,360,928, plus strand): 5'-TTCCACGCCTGTCTCAGGTCTTGCACTGCACGGGCCAGGTGAAAGTCTACAACAACTGCC[C>T]TCCTCACAATAGTCTGTGTGGCTACAAGGAGCCCCTGCTGTCCTGCCTCATCATCATGTG-3'
Protein context (NP_001421.2, residues 196-216): TGQVKVYNNC[Pro206Leu]PHNSLCGYKE